The following is an entry in ClinVar:

ClinVar aggregate classification (germline): Uncertain significance (1 of 4 stars; one submission).

Conditions:
Inborn genetic diseases. Identifiers: MedGen C0950123, MeSH D030342.

gnomAD v4.1: 1 of 1,614,232 alleles (0.000062%); highest among the groups gnomAD compares: African/African-American, 0.0013%; no homozygotes.

Submission:

Ambry Genetics
Classification: Uncertain significance for Inborn genetic diseases. Last evaluated: 2023-11-09. Review status: criteria provided, single submitter. Criteria: Ambry Variant Classification Scheme 2023. Collection method: clinical testing. Allele origin: germline.
Comment: The p.P619T variant (also known as c.1855C>A), located in coding exon 12 of the EPAS1 gene, results from a C to A substitution at nucleotide position 1855. The proline at codon 619 is replaced by threonine, an amino acid with highly similar properties. This amino acid position is conserved. In addition, this alteration is predicted to be tolerated by in silico analysis. Since supporting evidence is limited at this time, the clinical significance of this alteration remains unclear.

NM_001430.5(EPAS1):c.1855C>A (p.Pro619Thr)

Gene: EPAS1 (endothelial PAS domain protein 1; plus strand). Cytogenetic location: 2p21.
Variant type: single nucleotide variant.
Coding change: c.1855C>A on transcript NM_001430.5 (MANE Select); coding-DNA position 1855, C replaced by A.
Protein change: p.Pro619Thr; replaces proline 619 with threonine.
Molecular consequence: missense variant.
Genome position (GRCh38, 1-based): chr2:46,380,527, C>A. VCF-style: chr2-46380527-C-A. GRCh37 (hg19) VCF-style: chr2-46607666-C-A.
Other names: short protein forms P619T.
Identifiers: ClinVar variation 3221576 (VCV003221576.1), dbSNP rs745687417, ClinGen allele CA346705020.